The following is an entry in ClinVar:

ClinVar aggregate classification (germline): Uncertain significance (1 of 4 stars; one submission).

Submission:

Labcorp Genetics (formerly Invitae), Labcorp
Classification: Uncertain significance. Last evaluated: 2023-06-15. Review status: criteria provided, single submitter. Criteria: Invitae Variant Classification Sherloc (09022015). Collection method: clinical testing. Allele origin: germline.
Comment: This variant, c.227_232dup, results in the insertion of 2 amino acid(s) of the ATRN protein (p.Leu76_Leu77dup), but otherwise preserves the integrity of the reading frame. This variant is present in population databases (no rsID available, gnomAD 0.04%). This variant has not been reported in the literature in individuals affected with ATRN-related conditions. In summary, the available evidence is currently insufficient to determine the role of this variant in disease. Therefore, it has been classified as a Variant of Uncertain Significance.

NM_139321.3(ATRN):c.215TGC[8] (p.Leu77_Pro78insLeuLeu)

Genes: ATRN (attractin; plus strand), LOC130065331 (ATAC-STARR-seq lymphoblastoid silent region 12621; plus strand). Cytogenetic location: 20p13.
Variant type: Microsatellite.
Coding change: c.215TGC[8] on transcript NM_139321.3 (MANE Select); eight copies in a row of the 3-base unit TGC starting at c.215; the reference has six copies in a row; two copies, 6 bases duplicated.
Protein change: p.Leu77_Pro78insLeuLeu.
Molecular consequence: inframe insertion. On other transcripts: intron variant (1).
Genome position (GRCh38, 1-based): chr20:3,471,334-3,471,339, TGCTGC duplicated; duplicating any 6 consecutive bases within chr20:3,471,320-3,471,339 gives the same sequence; the position shown is the placement nearest the transcript's 3' end. VCF-style (leftmost placement, unchanged base first): chr20-3471319-C-CGCTGCT. GRCh37 (hg19) VCF-style: chr20-3451966-C-CGCTGCT.
Other names: c.215TGC[8], p.Leu77_Pro78insLeuLeu (NM_001323332.2, NM_139322.4); c.62+186GCT[8] (NM_001207047.3).
Identifiers: ClinVar variation 2887938 (VCV002887938.3), dbSNP rs772463780, ClinGen allele CA634332479.